The following is an entry in ClinVar:

NM_152383.5(DIS3L2):c.440G>A (p.Gly147Glu)

Gene: DIS3L2 (DIS3 like 3'-5' exoribonuclease 2; plus strand). Cytogenetic location: 2q37.1.
Variant type: single nucleotide variant.
Coding change: c.440G>A on transcript NM_152383.5 (MANE Select); coding-DNA position 440, G replaced by A.
Protein change: p.Gly147Glu; replaces glycine 147 with glutamic acid.
Molecular consequence: missense variant. On other transcripts: non-coding transcript variant (2).
Genome position (GRCh38, 1-based): chr2:232,087,560, G>A. VCF-style: chr2-232087560-G-A. GRCh37 (hg19) VCF-style: chr2-232952270-G-A.
Other names: c.440G>A, p.Gly147Glu (NM_001257281.2, NM_001257282.2); short protein forms G147E.
Identifiers: ClinVar variation 970576 (VCV000970576.9), dbSNP rs1696700369, ClinGen allele CA351154975.

ClinVar aggregate classification (germline): Uncertain significance (1 of 4 stars; one submission).

Conditions:
Perlman syndrome (PRLMNS). Identifiers: Orphanet 2849, MedGen C0796113, MONDO:0009965, OMIM 267000.

Submission:

Labcorp Genetics (formerly Invitae), Labcorp
Classification: Uncertain significance for Perlman syndrome. Last evaluated: 2024-03-17. Review status: criteria provided, single submitter. Criteria: Invitae Variant Classification Sherloc (09022015). Collection method: clinical testing. Allele origin: germline.
Comment: This sequence change replaces glycine, which is neutral and non-polar, with glutamic acid, which is acidic and polar, at codon 147 of the DIS3L2 protein (p.Gly147Glu). This variant is not present in population databases (gnomAD no frequency). This variant has not been reported in the literature in individuals affected with DIS3L2-related conditions. ClinVar contains an entry for this variant (Variation ID: 970576). An algorithm developed to predict the effect of missense changes on protein structure and function (PolyPhen-2) suggests that this variant is likely to be tolerated. In summary, the available evidence is currently insufficient to determine the role of this variant in disease. Therefore, it has been classified as a Variant of Uncertain Significance.